The following is an entry in ClinVar:

NM_000642.3(AGL):c.4599G>C (p.Ter1533Tyr)

Gene: AGL (amylo-alpha-1,6-glucosidase and 4-alpha-glucanotransferase; plus strand). Cytogenetic location: 1p21.2.
Variant type: single nucleotide variant.
Coding change: c.4599G>C on transcript NM_000642.3 (MANE Select); coding-DNA position 4599, G replaced by C.
Protein change: p.Ter1533Tyr.
Molecular consequence: stop lost.
Genome position (GRCh38, 1-based): chr1:99,921,651, G>C. VCF-style: chr1-99921651-G-C. GRCh37 (hg19) VCF-style: chr1-100387207-G-C.
Other names: c.4599G>C, p.Ter1533Tyr (NM_000028.3, NM_000643.3, NM_000644.3 and 1 more transcripts); c.4551G>C, p.Ter1517Tyr (NM_000646.3); c.4578G>C, p.Ter1526Tyr (NM_001425326.1); c.4398G>C, p.Ter1466Tyr (NM_001425327.1); c.4395G>C, p.Ter1465Tyr (NM_001425328.1); c.4260G>C, p.Ter1420Tyr (NM_001425329.1); c.4221G>C, p.Ter1407Tyr (NM_001425332.1).
Identifiers: ClinVar variation 998109 (VCV000998109.1), dbSNP rs1655521504, ClinGen allele CA341344101.

ClinVar aggregate classification (germline): Likely pathogenic (1 of 4 stars; one submission).

Conditions:
Glycogen storage disease type III (GSD3). Also called: FORBES DISEASE; Cori disease. Identifiers: Orphanet 366, MedGen C0017922, MONDO:0009291, OMIM 232400.

Submission:

Centre for Human Genetics
Classification: Likely pathogenic for Glycogen storage disease type III. Last evaluated: 2019-04-02. Review status: criteria provided, single submitter. Criteria: ACMG Guidelines, 2015. Collection method: clinical testing. Allele origin: inherited. Inheritance: Autosomal recessive inheritance. Affected: yes. Observed: 1 variant allele.
Comment: disease causing